The following is an entry in ClinVar:

NM_004519.4(KCNQ3):c.*7371T>G

Gene: KCNQ3 (potassium voltage-gated channel subfamily Q member 3; minus strand). Cytogenetic location: 8q24.22.
Variant type: single nucleotide variant.
Coding change: c.*7371T>G on transcript NM_004519.4 (MANE Select); 7371 bases downstream of the stop codon, T replaced by G.
Molecular consequence: 3 prime UTR variant.
Genome position (GRCh38, 1-based): chr8:132,121,891, A>C on the plus strand (T>G on the coding strand, the complement: KCNQ3 is on the minus strand). VCF-style: chr8-132121891-A-C. GRCh37 (hg19) VCF-style: chr8-133134138-A-C.
Other names: c.*7371T>G (NM_001204824.2).
Identifiers: ClinVar variation 361754 (VCV000361754.6), dbSNP rs76268875, ClinGen allele CA10624716.
Genomic context (GRCh38, chr8:132,121,891, plus strand): 5'-GGATGATCTGCAGCCACACCAAGCCCCGAGAGCTAATGGATTCCAATGTGAACCAGGTGA[A>C]TAATTTATGAGGCATTATTTTCTGCCACTGACAGCTGGATTGTGAAGCCACTCAAAGGAC-3'

ClinVar aggregate classification (germline): Benign (1 of 4 stars; one submission).

Conditions:
Seizures, benign familial neonatal, 2. Also called: CONVULSIONS, BENIGN FAMILIAL NEONATAL, 2; KCNQ3-Related Self-Limited Familial Neonatal Epilepsy (SLFNE); Benign Neonatal Epilepsy 2; KCNQ3-Related Benign Familial Neonatal Epilepsy; Seizures, benign neonatal, 2. Identifiers: Orphanet 1949, MedGen C1852581, MONDO:0007366, OMIM 121201.

Allele frequency attached by ClinVar (database versions not stated): TOPMed 0.02638; gnomAD 0.02342 and 0.02511; 1000 Genomes Project 30x 0.02811; 1000 Genomes Project 0.02556.

Submission:

Illumina Laboratory Services, Illumina
Classification: Benign for Seizures, benign familial neonatal, 2. Last evaluated: 2018-01-13. Review status: criteria provided, single submitter. Criteria: ICSL Variant Classification Criteria 13 December 2019. Collection method: clinical testing. Allele origin: germline.
Comment: This variant was observed in the ICSL laboratory as part of a predisposition screen in an ostensibly healthy population. It had not been previously curated by ICSL or reported in the Human Gene Mutation Database (HGMD: prior to June 1st, 2018), and was therefore a candidate for classification through an automated scoring system. Utilizing variant allele frequency, disease prevalence and penetrance estimates, and inheritance mode, an automated score was calculated to assess if this variant is too frequent to cause the disease. Based on the score and internal cut-off values, a variant classified as benign is not then subjected to further curation. The score for this variant resulted in a classification of benign for this disease.